The following is an entry in ClinVar:

NM_020778.5(ALPK3):c.50C>G (p.Ser17Trp)

Gene: ALPK3 (alpha kinase 3; plus strand). Cytogenetic location: 15q25.3.
Variant type: single nucleotide variant.
Coding change: c.50C>G on transcript NM_020778.5 (MANE Select); coding-DNA position 50, C replaced by G.
Protein change: p.Ser17Trp; replaces serine 17 with tryptophan.
Molecular consequence: missense variant.
Genome position (GRCh38, 1-based): chr15:84,817,502, C>G. VCF-style: chr15-84817502-C-G. GRCh37 (hg19) VCF-style: chr15-85360733-C-G.
Other names: short protein forms S17W.
Identifiers: ClinVar variation 2449098 (VCV002449098.4), dbSNP rs2505689208, ClinGen allele CA393369358.

ClinVar aggregate classification (germline): Uncertain significance. Review status: criteria provided, multiple submitters, no conflicts (2 of 4 stars). 2 submissions from 2 submitters: Uncertain significance (2). Last evaluated 2024-10-28.

Conditions:
Cardiovascular phenotype. Identifiers: MedGen CN230736.

Submissions (2):

Labcorp Genetics (formerly Invitae), Labcorp
Classification: Uncertain significance. Last evaluated: 2024-10-28. Review status: criteria provided, single submitter. Criteria: Invitae Variant Classification Sherloc (09022015). Collection method: clinical testing. Allele origin: germline.
Comment: This sequence change replaces serine, which is neutral and polar, with tryptophan, which is neutral and slightly polar, at codon 219 of the ALPK3 protein (p.Ser219Trp). This variant is not present in population databases (gnomAD no frequency). This variant has not been reported in the literature in individuals affected with ALPK3-related conditions. ClinVar contains an entry for this variant (Variation ID: 2449098). An algorithm developed to predict the effect of missense changes on protein structure and function (PolyPhen-2) suggests that this variant is likely to be disruptive. In summary, the available evidence is currently insufficient to determine the role of this variant in disease. Therefore, it has been classified as a Variant of Uncertain Significance.

Ambry Genetics
Classification: Uncertain significance for Cardiovascular phenotype. Last evaluated: 2022-12-13. Review status: criteria provided, single submitter. Criteria: Ambry Variant Classification Scheme 2023. Collection method: clinical testing. Allele origin: germline.
Comment: The p.S219W variant (also known as c.656C>G), located in coding exon 1 of the ALPK3 gene, results from a C to G substitution at nucleotide position 656. The serine at codon 219 is replaced by tryptophan, an amino acid with highly dissimilar properties. This amino acid position is conserved. In addition, this alteration is predicted to be tolerated by in silico analysis. Since supporting evidence is limited at this time, the clinical significance of this alteration remains unclear.